The following is an entry in ClinVar:

ClinVar aggregate classification (germline): Benign/Likely benign. Review status: criteria provided, multiple submitters, no conflicts (2 of 4 stars). 2 submissions from 2 submitters: Benign (1); Likely benign (1). Last evaluated 2025-02-01.

Allele frequency attached by ClinVar (database versions not stated): ESP Exome Variant Server 0.00078; 1000 Genomes Project 30x 0.00094; TOPMed 0.00096; 1000 Genomes Project 0.00100; gnomAD exomes 0.00156 and 0.00253; ExAC 0.00237; gnomAD 0.00256 and 0.00269.
gnomAD v4.1: 2,648 of 1,606,550 alleles (0.16%); highest among the groups gnomAD compares: Non-Finnish European, 0.13%; 10 homozygotes.

Submissions (2):

CeGaT Center for Human Genetics Tuebingen
Classification: Likely benign. Last evaluated: 2025-02-01. Review status: criteria provided, single submitter. Criteria: CeGaT Center For Human Genetics Tuebingen Variant Classification Criteria Version 2. Collection method: clinical testing. Allele origin: germline. Affected: yes. Observed: 1 variant allele.
Comment: MCF2L: BP4

Labcorp Genetics (formerly Invitae), Labcorp
Classification: Benign. Last evaluated: 2018-05-22. Review status: criteria provided, single submitter. Criteria: Invitae Variant Classification Sherloc (09022015). Collection method: clinical testing. Allele origin: germline.

NM_001112732.3(MCF2L):c.3075+8C>T

Gene: MCF2L (MCF.2 cell line derived transforming sequence like; plus strand). Cytogenetic location: 13q34.
Variant type: single nucleotide variant.
Coding change: c.3075+8C>T on transcript NM_001112732.3 (MANE Select); 8 bases into the intron after coding-DNA position 3075, C replaced by T.
Molecular consequence: intron variant.
Genome position (GRCh38, 1-based): chr13:113,094,643, C>T. VCF-style: chr13-113094643-C-T. GRCh37 (hg19) VCF-style: chr13-113748957-C-T.
Other names: c.3333+8C>T (NM_001438391.1); c.3240+8C>T (NM_001438392.1); c.3165+8C>T (NM_001438393.1); c.3342+8C>T (NM_001438390.1); c.3249+8C>T (NM_001438759.1); c.3174+8C>T (NM_001438762.1); c.3189+8C>T (NM_001438761.1); c.3243+8C>T (NM_001437889.1); and 9 more.
Identifiers: ClinVar variation 715588 (VCV000715588.16), dbSNP rs188753593, ClinGen allele CA7059598.